The following is an entry in ClinVar:

ClinVar aggregate classification (germline): Uncertain significance. Review status: criteria provided, multiple submitters, no conflicts (2 of 4 stars). 2 submissions from 2 submitters: Uncertain significance (2). Last evaluated 2025-07-16.

Allele frequency attached by ClinVar (database versions not stated): TOPMed 0.00002; 1000 Genomes Project 0.00020; gnomAD 0.00003; gnomAD exomes 0.00001; 1000 Genomes Project 30x 0.00016; ExAC 0.00005.
gnomAD v4.1: 28 of 1,614,080 alleles (0.0017%); highest among the groups gnomAD compares: Non-Finnish European, 0.002%; no homozygotes.

Submissions (2):

GeneDx
Classification: Uncertain significance. Last evaluated: 2025-07-16. Review status: criteria provided, single submitter. Criteria: GeneDx Variant Classification Process June 2021. Collection method: clinical testing. Allele origin: germline. Affected: yes.
Comment: De novo variant in a patient from a cohort of individuals with neurodevelopmental disorders; another de novo variant in a different gene was also identified in this patient (PMID: 31785789); Not observed at significant frequency in large population cohorts (gnomAD); In silico analysis suggests that this missense variant does not alter protein structure/function; This variant is associated with the following publications: (PMID: 35982159, 33057194, 31785789)

Labcorp Genetics (formerly Invitae), Labcorp
Classification: Uncertain significance. Last evaluated: 2022-04-15. Review status: criteria provided, single submitter. Criteria: Invitae Variant Classification Sherloc (09022015). Collection method: clinical testing. Allele origin: germline.
Comment: This sequence change replaces valine, which is neutral and non-polar, with isoleucine, which is neutral and non-polar, at codon 986 of the SZT2 protein (p.Val986Ile). This variant is present in population databases (rs531185509, gnomAD 0.006%). This missense change has been observed in individual(s) with clinical features of SZT2-related conditions (PMID: 31785789). Algorithms developed to predict the effect of missense changes on protein structure and function output the following: SIFT: "Tolerated"; PolyPhen-2: "Benign"; Align-GVGD: "Class C0". The isoleucine amino acid residue is found in multiple mammalian species, which suggests that this missense change does not adversely affect protein function. In summary, the available evidence is currently insufficient to determine the role of this variant in disease. Therefore, it has been classified as a Variant of Uncertain Significance.

Literature cited by the submitters: PubMed 31785789 (cited by Labcorp Genetics (formerly Invitae), Labcorp).

NM_001365999.1(SZT2):c.2956G>A (p.Val986Ile)

Gene: SZT2 (SZT2 subunit of KICSTOR complex; plus strand). Cytogenetic location: 1p34.2.
Variant type: single nucleotide variant.
Coding change: c.2956G>A on transcript NM_001365999.1 (MANE Select); coding-DNA position 2956, G replaced by A.
Protein change: p.Val986Ile; replaces valine 986 with isoleucine.
Molecular consequence: missense variant.
Genome position (GRCh38, 1-based): chr1:43,426,064, G>A. VCF-style: chr1-43426064-G-A. GRCh37 (hg19) VCF-style: chr1-43891735-G-A.
Other names: c.2956G>A (NM_015284.3); c.2956G>A, p.Val986Ile (NM_015284.4); short protein forms V986I.
Identifiers: ClinVar variation 2156687 (VCV002156687.3), dbSNP rs531185509, ClinGen allele CA808871.